The following is an entry in ClinVar:

NM_014795.4(ZEB2):c.3595A>T (p.Met1199Leu)

Gene: ZEB2 (zinc finger E-box binding homeobox 2; minus strand). Cytogenetic location: 2q22.3.
Variant type: single nucleotide variant.
Coding change: c.3595A>T on transcript NM_014795.4 (MANE Select); coding-DNA position 3595, A replaced by T.
Protein change: p.Met1199Leu; replaces methionine 1199 with leucine.
Molecular consequence: missense variant.
Genome position (GRCh38, 1-based): chr2:144,389,501, T>A on the plus strand (A>T on the coding strand, the complement: ZEB2 is on the minus strand). VCF-style: chr2-144389501-T-A. GRCh37 (hg19) VCF-style: chr2-145147068-T-A.
Other names: c.3523A>T, p.Met1175Leu (NM_001171653.2); short protein forms M1175L, M1199L.
Identifiers: ClinVar variation 2067599 (VCV002067599.4), dbSNP rs1257742591, ClinGen allele CA348698660.
Genomic context (GRCh38, chr2:144,389,501, plus strand): 5'-CAGTAGTTTATTACATGCCATCTTCCATATTGTCTTCCTCGTGGTCTGATTTGGTTTCCA[T>A]TTTCCCATCCTCCGAACTATCGTCCATGGAGTGATCTCCAGTCTCTTCTTCATCTCGTAT-3'
Protein context (NP_055610.1, residues 1189-1209): SMDDSSEDGK[Met1199Leu]ETKSDHEEDN

ClinVar aggregate classification (germline): Uncertain significance (1 of 4 stars; one submission).

Conditions:
Mowat-Wilson syndrome (MOWS). Also called: Classic Mowat-Wilson Syndrome. Identifiers: Orphanet 2152, MedGen C1856113, MONDO:0009341, OMIM 235730.

Allele frequency attached by ClinVar (database versions not stated): gnomAD exomes below 0.00001; gnomAD 0.00001.

Submission:

Labcorp Genetics (formerly Invitae), Labcorp
Classification: Uncertain significance for Mowat-Wilson syndrome. Last evaluated: 2022-08-27. Review status: criteria provided, single submitter. Criteria: Invitae Variant Classification Sherloc (09022015). Collection method: clinical testing. Allele origin: germline.
Comment: This sequence change replaces methionine, which is neutral and non-polar, with leucine, which is neutral and non-polar, at codon 1199 of the ZEB2 protein (p.Met1199Leu). This variant is present in population databases (no rsID available, gnomAD 0.007%). This variant has not been reported in the literature in individuals affected with ZEB2-related conditions. Algorithms developed to predict the effect of missense changes on protein structure and function (SIFT, PolyPhen-2, Align-GVGD) all suggest that this variant is likely to be tolerated. In summary, the available evidence is currently insufficient to determine the role of this variant in disease. Therefore, it has been classified as a Variant of Uncertain Significance.